The following is an entry in ClinVar:

ClinVar aggregate classification (germline): Uncertain significance. Review status: criteria provided, multiple submitters, no conflicts (2 of 4 stars). 2 submissions from 2 submitters: Uncertain significance (2). Last evaluated 2025-09-02.

Conditions:
Multiple endocrine neoplasia, type 1 (MEN1). Also called: MEN I; WERMER SYNDROME; Endocrine adenomatosis multiple; MEN 1; MEA I. Identifiers: Orphanet 652, MedGen C0025267, MeSH D018761, MONDO:0007540, OMIM 131100.
Hereditary cancer-predisposing syndrome. Also called: Tumor predisposition; Neoplastic Syndromes, Hereditary; Hereditary Cancer Syndrome; Hereditary neoplastic syndrome. Identifiers: Orphanet 140162, MedGen C0027672, MeSH D009386, MONDO:0015356.

Submissions (2):

Labcorp Genetics (formerly Invitae), Labcorp
Classification: Uncertain significance for Multiple endocrine neoplasia, type 1. Last evaluated: 2025-09-02. Review status: criteria provided, single submitter. Criteria: Invitae Variant Classification Sherloc (09022015). Collection method: clinical testing. Allele origin: germline.
Comment: This sequence change replaces valine, which is neutral and non-polar, with alanine, which is neutral and non-polar, at codon 566 of the MEN1 protein (p.Val566Ala). This variant is not present in population databases (gnomAD no frequency). This variant has not been reported in the literature in individuals affected with MEN1-related conditions. ClinVar contains an entry for this variant (Variation ID: 1778258). Invitae Evidence Modeling of protein sequence and biophysical properties (such as structural, functional, and spatial information, amino acid conservation, physicochemical variation, residue mobility, and thermodynamic stability) has been performed for this missense variant. However, the output from this modeling did not meet the statistical confidence thresholds required to predict the impact of this variant on MEN1 protein function. In summary, the available evidence is currently insufficient to determine the role of this variant in disease. Therefore, it has been classified as a Variant of Uncertain Significance.

Ambry Genetics
Classification: Uncertain significance for Hereditary cancer-predisposing syndrome. Last evaluated: 2022-09-10. Review status: criteria provided, single submitter. Criteria: Ambry Variant Classification Scheme 2023. Collection method: clinical testing. Allele origin: germline.
Comment: The p.V566A variant (also known as c.1697T>C), located in coding exon 9 of the MEN1 gene, results from a T to C substitution at nucleotide position 1697. The valine at codon 566 is replaced by alanine, an amino acid with similar properties. This amino acid position is conserved. In addition, the in silico prediction for this alteration is inconclusive. Since supporting evidence is limited at this time, the clinical significance of this alteration remains unclear.

NM_001370259.2(MEN1):c.1697T>C (p.Val566Ala)

Gene: MEN1 (menin 1; minus strand). Cytogenetic location: 11q13.1.
Variant type: single nucleotide variant.
Coding change: c.1697T>C on transcript NM_001370259.2 (MANE Select); coding-DNA position 1697, T replaced by C.
Protein change: p.Val566Ala; replaces valine 566 with alanine.
Molecular consequence: missense variant.
Genome position (GRCh38, 1-based): chr11:64,804,470, A>G on the plus strand (T>C on the coding strand, the complement: MEN1 is on the minus strand). VCF-style: chr11-64804470-A-G. GRCh37 (hg19) VCF-style: chr11-64571942-A-G.
Other names: c.1712T>C, p.Val571Ala (NM_000244.4, NM_001407145.1, NM_130800.3 and 4 more transcripts); c.1823T>C, p.Val608Ala (NM_001370251.2, NM_001407142.1, NM_001407143.1 and 1 more transcripts); c.1697T>C, p.Val566Ala (NM_001370260.2, NM_001370261.2, NM_001407146.1 and 2 more transcripts); c.1592T>C, p.Val531Ala (NM_001370262.2, NM_001370263.2, NM_001407148.1 and 1 more transcripts); c.1838T>C, p.Val613Ala (NM_001407150.1); c.1718T>C, p.Val573Ala (NM_001407151.1); c.1532T>C, p.Val511Ala (NM_001407152.1); short protein forms V571A, V608A, V573A, V566A, V511A, V531A, V613A.
Identifiers: ClinVar variation 1778258 (VCV001778258.5), dbSNP rs1592629891, ClinGen allele CA381177645.